The following is an entry in ClinVar:

ClinVar aggregate classification (germline): Likely benign (0 of 4 stars; one submission).

Conditions:
GNAS-related disorder. Identifiers: MedGen CN380105.

Allele frequency attached by ClinVar (database versions not stated): gnomAD exomes 0.00001; 1000 Genomes Project 30x 0.00031; ExAC 0.00003; gnomAD 0.00010; 1000 Genomes Project 0.00020; TOPMed 0.00009.
gnomAD v4.1: 29 of 1,612,534 alleles (0.0018%); highest among the groups gnomAD compares: African/African-American, 0.029%; no homozygotes.

Submission:

PreventionGenetics, part of Exact Sciences
Classification: Likely benign for GNAS-related condition. Last evaluated: 2022-04-06. Review status: no assertion criteria provided. Collection method: clinical testing. Allele origin: germline.
Comment: This variant is classified as likely benign based on ACMG/AMP sequence variant interpretation guidelines (Richards et al. 2015 PMID: 25741868, with internal and published modifications).

NM_080425.4(GNAS):c.1725C>T (p.Asp575=)

Gene: GNAS (GNAS complex locus; plus strand). Cytogenetic location: 20q13.32.
Variant type: single nucleotide variant.
Coding change: c.1725C>T on transcript NM_080425.4 (MANE Plus Clinical); coding-DNA position 1725, C replaced by T.
Protein change: p.Asp575=; no amino-acid change (aspartic acid 575 retained).
Molecular consequence: synonymous variant. On other transcripts: missense variant (2), intron variant (3).
Genome position (GRCh38, 1-based): chr20:58,854,990, C>T. VCF-style: chr20-58854990-C-T. GRCh37 (hg19) VCF-style: chr20-57430045-C-T.
Other names: c.1538C>T, p.Thr513Ile (NM_001077490.3, NM_001309883.1); c.1725C>T, p.Asp575= (NM_001410913.1); c.*42+14104C>T (NM_016592.5); c.43+14104C>T (NM_001410912.1); c.-39+13115C>T (NM_001309861.2); short protein forms T513I.
Identifiers: ClinVar variation 3043625 (VCV003043625.2), dbSNP rs535915849, ClinGen allele CA9926746.